The following is an entry in ClinVar:

ClinVar aggregate classification (germline): Pathogenic. Review status: criteria provided, multiple submitters, no conflicts (2 of 4 stars). 2 submissions from 2 submitters: Pathogenic (2). Last evaluated 2026-03-19.

Conditions:
DGUOK-related disorder. Also called: DGUOK-related condition.

Submissions (2):

Women's Health and Genetics/Laboratory Corporation of America, LabCorp
Classification: Pathogenic for DGUOK-Related Disorders. Last evaluated: 2026-03-19. Review status: criteria provided, single submitter. Criteria: LabCorp Variant Classification Summary - May 2015. Collection method: clinical testing. Allele origin: germline.
Comment: Variant summary: DGUOK c.66_78del13 (p.Leu23ProfsX29) results in a premature termination codon, predicted to cause a truncation of the encoded protein or absence of the protein due to nonsense mediated decay, which are commonly known mechanisms for disease. The variant was absent in 249848 control chromosomes. To our knowledge, no occurrence of c.66_78del13 in individuals affected with DGUOK-related conditions and no experimental evidence demonstrating its impact on protein function have been reported. ClinVar contains an entry for this variant (Variation ID: 2790322). Based on the evidence outlined above, the variant was classified as pathogenic.

Labcorp Genetics (formerly Invitae), Labcorp
Classification: Pathogenic. Last evaluated: 2023-12-19. Review status: criteria provided, single submitter. Criteria: Invitae Variant Classification Sherloc (09022015). Collection method: clinical testing. Allele origin: germline.
Comment: This sequence change creates a premature translational stop signal (p.Leu23Profs*29) in the DGUOK gene. It is expected to result in an absent or disrupted protein product. Loss-of-function variants in DGUOK are known to be pathogenic (PMID: 18205204). This variant is not present in population databases (gnomAD no frequency). This variant has not been reported in the literature in individuals affected with DGUOK-related conditions. For these reasons, this variant has been classified as Pathogenic.

Literature cited by the submitters: PubMed 18205204 (cited by Labcorp Genetics (formerly Invitae), Labcorp).

NM_080916.3(DGUOK):c.66_78del (p.Leu23fs)

Genes: DGUOK (deoxyguanosine kinase; plus strand), LOC129934096 (ATAC-STARR-seq lymphoblastoid active region 16036; plus strand). Cytogenetic location: 2p13.1.
Variant type: Deletion.
Coding change: c.66_78del on transcript NM_080916.3 (MANE Select); coding-DNA positions 66 to 78, 13 bases deleted (ACTCGAGGGCGTT).
Protein change: p.Leu23fs; shifts the reading frame from leucine 23.
Molecular consequence: frameshift variant. On other transcripts: non-coding transcript variant (6), 5 prime UTR variant (4).
Genome position (GRCh38, 1-based): chr2:73,926,976-73,926,988, ACTCGAGGGCGTT deleted. VCF-style (leftmost placement, unchanged base first): chr2-73926975-CACTCGAGGGCGTT-C. GRCh37 (hg19) VCF-style: chr2-74154102-CACTCGAGGGCGTT-C.
Other names: c.66_78del, p.Leu23fs (NM_001318859.2, NM_080918.3); c.-113_-101del (NM_001318860.2, NM_001318863.2); c.-199_-187del (NM_001318861.2, NM_001318862.2); c.66_78del13 (NM_080916.3); short protein forms L23fs.
Identifiers: ClinVar variation 2790322 (VCV002790322.4), dbSNP rs2466941482, ClinGen allele CA2739271124.